The following is an entry in ClinVar:

NM_001291303.3(FAT4):c.5944A>G (p.Ser1982Gly)

Gene: FAT4 (FAT atypical cadherin 4; plus strand). Cytogenetic location: 4q28.1.
Variant type: single nucleotide variant.
Coding change: c.5944A>G on transcript NM_001291303.3 (MANE Select); coding-DNA position 5944, A replaced by G.
Protein change: p.Ser1982Gly; replaces serine 1982 with glycine.
Molecular consequence: missense variant.
Genome position (GRCh38, 1-based): chr4:125,414,907, A>G. VCF-style: chr4-125414907-A-G. GRCh37 (hg19) VCF-style: chr4-126336062-A-G.
Other names: c.5944A>G, p.Ser1982Gly (NM_001291285.3, NM_024582.6); short protein forms S1982G.
Identifiers: ClinVar variation 931780 (VCV000931780.3), dbSNP rs746510253, ClinGen allele CA358126542.

ClinVar aggregate classification (germline): Uncertain significance (1 of 4 stars; one submission).

Conditions:
Hennekam lymphangiectasia-lymphedema syndrome 2 (HKLLS2). Identifiers: Orphanet 2136, MedGen C4014939, MONDO:0014454, OMIM 616006.

Submission:

Centre for Mendelian Genomics, University Medical Centre Ljubljana
Classification: Uncertain significance for Hennekam lymphangiectasia-lymphedema syndrome 2. Last evaluated: 2020-03-24. Review status: criteria provided, single submitter. Criteria: ACMG Guidelines, 2015. Collection method: clinical testing. Allele origin: unknown. Affected: yes.
Comment: This variant was classified as: Uncertain significance. The available evidence on this variant's pathogenicity is insufficient or conflicting. The following ACMG criteria were applied in classifying this variant: PM2,PP3.